The following is an entry in ClinVar:

NM_206933.4(USH2A):c.9842G>T (p.Cys3281Phe)

Gene: USH2A (usherin; minus strand). Cytogenetic location: 1q41.
Variant type: single nucleotide variant.
Coding change: c.9842G>T on transcript NM_206933.4 (MANE Select); coding-DNA position 9842, G replaced by T.
Protein change: p.Cys3281Phe; replaces cysteine 3281 with phenylalanine.
Molecular consequence: missense variant.
Genome position (GRCh38, 1-based): chr1:215,799,023, C>A on the plus strand (G>T on the coding strand, the complement: USH2A is on the minus strand). VCF-style: chr1-215799023-C-A. GRCh37 (hg19) VCF-style: chr1-215972365-C-A.
Other names: short protein forms C3281F.
Identifiers: ClinVar variation 179132 (VCV000179132.20), dbSNP rs727504654, ClinGen allele CA183787.

ClinVar aggregate classification (germline): Conflicting classifications of pathogenicity. Review status: criteria provided, conflicting classifications (1 of 4 stars). 9 submissions from 9 submitters: Pathogenic (1); Likely pathogenic (2); Uncertain significance (4). 2 of the submissions do not count toward it. Last evaluated 2025-09-02.

Conditions:
Retinitis pigmentosa 39 (RP39). Identifiers: Orphanet 791, MedGen C3151138, MONDO:0013436, OMIM 613809.
Usher syndrome type 2A. Also called: USHER SYNDROME, TYPE IIA; RETINAL DISEASE IN USHER SYNDROME TYPE IIA, MODIFIER OF. Identifiers: Orphanet 231178, Orphanet 886, MedGen C1848634, MONDO:0010169, OMIM 276901.
USH2A-related disorder. Also called: USH2A-related condition; USH2A-related disorders. Identifiers: MedGen CN239332.

Allele frequency attached by ClinVar (database versions not stated): gnomAD exomes below 0.00001 and 0.00001; gnomAD 0.00002; TOPMed 0.00002.
gnomAD v4.1: 14 of 1,613,984 alleles (0.00087%); highest among the groups gnomAD compares: Non-Finnish European, 0.0012%; no homozygotes.

Submissions (9):

Labcorp Genetics (formerly Invitae), Labcorp
Classification: Likely pathogenic. Last evaluated: 2025-09-02. Review status: criteria provided, single submitter. Criteria: Invitae Variant Classification Sherloc (09022015). Collection method: clinical testing. Allele origin: germline.
Comment: This sequence change replaces cysteine, which is neutral and slightly polar, with phenylalanine, which is neutral and non-polar, at codon 3281 of the USH2A protein (p.Cys3281Phe). This variant is present in population databases (rs727504654, gnomAD 0.002%). This missense change has been observed in individual(s) with clinical features of Usher syndrome (PMID: 22135276, 27208204, 34906470, 35266249, 36011402; internal data). ClinVar contains an entry for this variant (Variation ID: 179132). Invitae Evidence Modeling of protein sequence and biophysical properties (such as structural, functional, and spatial information, amino acid conservation, physicochemical variation, residue mobility, and thermodynamic stability) indicates that this missense variant is expected to disrupt USH2A protein function with a positive predictive value of 95%. In summary, the currently available evidence indicates that the variant is pathogenic, but additional data are needed to prove that conclusively. Therefore, this variant has been classified as Likely Pathogenic.

Blueprint Genetics
Classification: Likely pathogenic for USH2A-related disorders. Last evaluated: 2024-04-23. Review status: criteria provided, single submitter. Criteria: ACMG Guidelines, 2015. Collection method: clinical testing. Allele origin: germline. Affected: yes. Observed: 5 variant alleles.

GeneDx
Classification: Uncertain significance. Last evaluated: 2023-11-28. Review status: criteria provided, single submitter. Criteria: GeneDx Variant Classification Process June 2021. Collection method: clinical testing. Allele origin: germline. Affected: yes.
Comment: Reported with additional variants in a patient with Usher syndrome in published literature (PMID: 27145477); Not observed at significant frequency in large population cohorts (gnomAD); In silico analysis supports that this missense variant has a deleterious effect on protein structure/function; This variant is associated with the following publications: (PMID: 22135276, 30245029, 35266249, 27145477)

Mendelics
Classification: Pathogenic for Usher syndrome type 2A. Last evaluated: 2022-05-04. Review status: criteria provided, single submitter. Criteria: Mendelics Assertion Criteria 2019. Collection method: clinical testing. Allele origin: germline.

Ocular Genomics Institute, Massachusetts Eye and Ear
Classification: Uncertain significance for Retinitis pigmentosa 39. Last evaluated: 2021-04-08. Review status: criteria provided, single submitter. Criteria: ACMG Guidelines, 2015. Collection method: research. Allele origin: germline. Affected: yes.
Comment: Through a review of available evidence we were able to apply the following criteria: PM2. Based on this evidence we have classified this variant as Variant of Uncertain Significance.

Fulgent Genetics
Classification: Uncertain significance for Usher syndrome type 2A; Retinitis pigmentosa 39. Last evaluated: 2018-10-31. Review status: criteria provided, single submitter. Criteria: ACMG Guidelines, 2015. Collection method: clinical testing. Allele origin: unknown.

Laboratory for Molecular Medicine, Mass General Brigham Personalized Medicine
Classification: Uncertain significance. Last evaluated: 2013-09-27. Review status: criteria provided, single submitter. Criteria: LMM Criteria. Collection method: clinical testing. Allele origin: germline. Inheritance: Autosomal recessive inheritance. Observed: 1 variant allele.
Comment: Variant classified as Uncertain Significance - Favor Pathogenic. The Cys3281Phe variant in USH2A has been previously reported in an individual with clinical fea tures of Usher syndrome, but a second variant in the USH2A gene was not identifi ed (Le Quesne Stabej 2012). This variant was not observed in large population st udies. Computational analyses (biochemical amino acid properties, conservation, AlignGVGD, PolyPhen2, and SIFT) do not provide strong support for or against an impact to the protein. In summary, the clinical significance of this variant c annot be determined with certainty; however, based upon its presence in an affec ted individual and its absence from the general population, we lean towards a mo re likely pathogenic role.

Natera, Inc.
Classification: Uncertain significance for Usher syndrome type 2A. Last evaluated: 2020-09-16. Review status: no assertion criteria provided. Collection method: clinical testing. Allele origin: germline. Not counted in ClinVar's aggregate classification.

Counsyl
Classification: Uncertain significance for Usher syndrome type 2A; Retinitis pigmentosa 39. Last evaluated: 2017-04-24. Review status: no assertion criteria provided. Collection method: clinical testing. Allele origin: unknown. Not counted in ClinVar's aggregate classification.

Literature cited by the submitters: PubMed 22135276 (cited by 3 submitters); PubMed 27208204 (cited by Labcorp Genetics (formerly Invitae), Labcorp); PubMed 34906470 (cited by Labcorp Genetics (formerly Invitae), Labcorp); PubMed 35266249 (cited by Labcorp Genetics (formerly Invitae), Labcorp); PubMed 36011402 (cited by Labcorp Genetics (formerly Invitae), Labcorp); PubMed 30245029 (cited by Ocular Genomics Institute, Massachusetts Eye and Ear); PubMed 26927203 (cited by Counsyl).